The following is an entry in ClinVar:

NM_014244.5(ADAMTS2):c.2019G>A (p.Met673Ile)

Gene: ADAMTS2 (ADAM metallopeptidase with thrombospondin type 1 motif 2; minus strand). Cytogenetic location: 5q35.3.
Variant type: single nucleotide variant.
Coding change: c.2019G>A on transcript NM_014244.5 (MANE Select); coding-DNA position 2019, G replaced by A.
Protein change: p.Met673Ile; replaces methionine 673 with isoleucine.
Molecular consequence: missense variant.
Genome position (GRCh38, 1-based): chr5:179,135,975, C>T on the plus strand (G>A on the coding strand, the complement: ADAMTS2 is on the minus strand). VCF-style: chr5-179135975-C-T. GRCh37 (hg19) VCF-style: chr5-178562976-C-T.
Other names: short protein forms M673I.
Identifiers: ClinVar variation 3358234 (VCV003358234.2).

ClinVar aggregate classification (germline): Uncertain significance. Review status: criteria provided, single submitter (1 of 4 stars). 2 submissions from 2 submitters: Uncertain significance (1). 1 of the submissions does not count toward it. Last evaluated 2024-09-30.

Conditions:
Inborn genetic diseases. Identifiers: MedGen C0950123, MeSH D030342.
ADAMTS2-related disorder. Also called: ADAMTS2-related condition.

Submissions (2):

Ambry Genetics
Classification: Uncertain significance for Inborn genetic diseases. Last evaluated: 2024-09-30. Review status: criteria provided, single submitter. Criteria: Ambry Variant Classification Scheme 2023. Collection method: clinical testing. Allele origin: germline.

PreventionGenetics, part of Exact Sciences
Classification: Uncertain significance for ADAMTS2-related condition. Last evaluated: 2024-06-20. Review status: no assertion criteria provided. Collection method: clinical testing. Allele origin: germline. Not counted in ClinVar's aggregate classification.
Comment: The ADAMTS2 c.2019G>A variant is predicted to result in the amino acid substitution p.Met673Ile. To our knowledge, this variant has not been reported in the literature. This variant is reported in 0.0080% of alleles in individuals of African descent in gnomAD. At this time, the clinical significance of this variant is uncertain due to the absence of conclusive functional and genetic evidence.